The following is an entry in ClinVar:

NM_172364.5(CACNA2D4):c.*796G>A

Gene: CACNA2D4 (calcium voltage-gated channel auxiliary subunit alpha2delta 4; minus strand). Cytogenetic location: 12p13.33.
Variant type: single nucleotide variant.
Coding change: c.*796G>A on transcript NM_172364.5 (MANE Select); 796 bases downstream of the stop codon, G replaced by A.
Molecular consequence: 3 prime UTR variant.
Genome position (GRCh38, 1-based): chr12:1,792,859, C>T on the plus strand (G>A on the coding strand, the complement: CACNA2D4 is on the minus strand). VCF-style: chr12-1792859-C-T. GRCh37 (hg19) VCF-style: chr12-1902025-C-T.
Identifiers: ClinVar variation 881127 (VCV000881127.4), dbSNP rs7956914, ClinGen allele CA231516810.
Genomic context (GRCh38, chr12:1,792,859, plus strand): 5'-TCATTGGCCAGAAAAGAGCACAACCACTGCTCTTTTTCACTATTTTACAGCTATTTTTGC[C>T]GTCCCCTGAATGTACATCAATTTCCATGCAGCAATTGGATGTCTCAGCCTATTGGCTTTT-3'

ClinVar aggregate classification (germline): Benign (1 of 4 stars; one submission).

Conditions:
Retinal cone dystrophy 4 (RCD4). Identifiers: Orphanet 1872, MedGen C1864849, MONDO:0012507, OMIM 610478.

Allele frequency attached by ClinVar (database versions not stated): gnomAD 0.00908 and 0.00961; TOPMed 0.00997; 1000 Genomes Project 0.01018; 1000 Genomes Project 30x 0.01046.

Submission:

Illumina Laboratory Services, Illumina
Classification: Benign for Retinal cone dystrophy 4. Last evaluated: 2018-01-13. Review status: criteria provided, single submitter. Criteria: ICSL Variant Classification Criteria 13 December 2019. Collection method: clinical testing. Allele origin: germline.
Comment: This variant was observed in the ICSL laboratory as part of a predisposition screen in an ostensibly healthy population. It had not been previously curated by ICSL or reported in the Human Gene Mutation Database (HGMD: prior to June 1st, 2018), and was therefore a candidate for classification through an automated scoring system. Utilizing variant allele frequency, disease prevalence and penetrance estimates, and inheritance mode, an automated score was calculated to assess if this variant is too frequent to cause the disease. Based on the score and internal cut-off values, a variant classified as benign is not then subjected to further curation. The score for this variant resulted in a classification of benign for this disease.